The following is an entry in ClinVar:

ClinVar aggregate classification (germline): Uncertain significance (1 of 4 stars; one submission).

Allele frequency attached by ClinVar (database versions not stated): ExAC 0.00001; gnomAD 0.00001; TOPMed 0.00001.
gnomAD v4.1: 16 of 1,614,072 alleles (0.00099%); highest among the groups gnomAD compares: Non-Finnish European, 0.0013%; no homozygotes.

Submission:

Labcorp Genetics (formerly Invitae), Labcorp
Classification: Uncertain significance. Last evaluated: 2024-09-30. Review status: criteria provided, single submitter. Criteria: Invitae Variant Classification Sherloc (09022015). Collection method: clinical testing. Allele origin: germline.
Comment: This sequence change replaces proline, which is neutral and non-polar, with serine, which is neutral and polar, at codon 1073 of the CTR9 protein (p.Pro1073Ser). This variant is present in population databases (rs761909746, gnomAD 0.0009%). This variant has not been reported in the literature in individuals affected with CTR9-related conditions. ClinVar contains an entry for this variant (Variation ID: 2076257). An algorithm developed to predict the effect of missense changes on protein structure and function (PolyPhen-2) suggests that this variant is likely to be disruptive. In summary, the available evidence is currently insufficient to determine the role of this variant in disease. Therefore, it has been classified as a Variant of Uncertain Significance.

NM_014633.5(CTR9):c.3217C>T (p.Pro1073Ser)

Gene: CTR9 (CTR9 component of Paf1/RNA polymerase II complex; plus strand). Cytogenetic location: 11p15.4.
Variant type: single nucleotide variant.
Coding change: c.3217C>T on transcript NM_014633.5 (MANE Select); coding-DNA position 3217, C replaced by T.
Protein change: p.Pro1073Ser; replaces proline 1073 with serine.
Molecular consequence: missense variant.
Genome position (GRCh38, 1-based): chr11:10,778,800, C>T. VCF-style: chr11-10778800-C-T. GRCh37 (hg19) VCF-style: chr11-10800347-C-T.
Other names: c.3145C>T, p.Pro1049Ser (NM_001346279.2); short protein forms P1073S, P1049S.
Identifiers: ClinVar variation 2076257 (VCV002076257.4), dbSNP rs761909746, ClinGen allele CA5885544.
Genomic context (GRCh38, chr11:10,778,800, plus strand): 5'-GCCTCATCAGAGAGTGATTCCGATGAGAACCAGAACAAGTCTGGCAGCGAGGCCGGCAGT[C>T]CCCGGAGGCCACGAAGACAGCGGTCAGATCAGGACTCAGACAGTGACCAGCCATCCAGAA-3'
Protein context (NP_055448.1, residues 1063-1083): QNKSGSEAGS[Pro1073Ser]RRPRRQRSDQ